The following is an entry in ClinVar:

ClinVar aggregate classification (germline): Uncertain significance (1 of 4 stars; one submission).

Conditions:
Inborn genetic diseases. Identifiers: MedGen C0950123, MeSH D030342.

Submission:

Ambry Genetics
Classification: Uncertain significance for Inborn genetic diseases. Last evaluated: 2023-04-28. Review status: criteria provided, single submitter. Criteria: Ambry Variant Classification Scheme 2023. Collection method: clinical testing. Allele origin: germline.
Comment: The p.E322A variant (also known as c.965A>C), located in coding exon 9 of the MDH2 gene, results from an A to C substitution at nucleotide position 965. The glutamic acid at codon 322 is replaced by alanine, an amino acid with dissimilar properties. This amino acid position is conserved. In addition, this alteration is predicted to be deleterious by in silico analysis. Since supporting evidence is limited at this time, the clinical significance of this alteration remains unclear.

NM_005918.4(MDH2):c.965A>C (p.Glu322Ala)

Gene: MDH2 (malate dehydrogenase 2; plus strand). Cytogenetic location: 7q11.23.
Variant type: single nucleotide variant.
Coding change: c.965A>C on transcript NM_005918.4 (MANE Select); coding-DNA position 965, A replaced by C.
Protein change: p.Glu322Ala; replaces glutamic acid 322 with alanine.
Molecular consequence: missense variant.
Genome position (GRCh38, 1-based): chr7:76,066,358, A>C. VCF-style: chr7-76066358-A-C. GRCh37 (hg19) VCF-style: chr7-75695676-A-C.
Other names: c.839A>C, p.Glu280Ala (NM_001282403.2); c.644A>C, p.Glu215Ala (NM_001282404.2); short protein forms E322A, E215A, E280A.
Identifiers: ClinVar variation 2562836 (VCV002562836.2), dbSNP rs2116708468, ClinGen allele CA367770030.